The following is an entry in ClinVar:

NM_000018.4(ACADVL):c.1751+18G>A

Gene: ACADVL (acyl-CoA dehydrogenase very long chain; plus strand). Cytogenetic location: 17p13.1.
Variant type: single nucleotide variant.
Coding change: c.1751+18G>A on transcript NM_000018.4 (MANE Select); 18 bases into the intron after coding-DNA position 1751, G replaced by A.
Molecular consequence: intron variant.
Genome position (GRCh38, 1-based): chr17:7,224,732, G>A. VCF-style: chr17-7224732-G-A. GRCh37 (hg19) VCF-style: chr17-7128051-G-A.
Other names: c.1820+18G>A (NM_001270447.2); c.1523+18G>A (NM_001270448.2); c.1685+18G>A (NM_001033859.3).
Identifiers: ClinVar variation 379545 (VCV000379545.16), dbSNP rs528002997, ClinGen allele CA8338238.

ClinVar aggregate classification (germline): Likely benign. Review status: reviewed by expert panel (3 of 4 stars). 6 submissions from 6 submitters: Likely benign (1). 5 of the submissions do not count toward it. Last evaluated 2025-12-11.

Conditions:
Very long chain acyl-CoA dehydrogenase deficiency (ACADVLD). Also called: Very Long-Chain Acyl-Coenzyme A Dehydrogenase Deficiency; VLCAD Deficiency. Identifiers: Orphanet 26793, MedGen C3887523, MONDO:0008723, OMIM 201475.

Allele frequency attached by ClinVar (database versions not stated): 1000 Genomes Project 30x 0.00016; 1000 Genomes Project 0.00020; TOPMed 0.00023; gnomAD 0.00026 and 0.00024; gnomAD exomes 0.00030 and 0.00041; ExAC 0.00069.
gnomAD v4.1: 486 of 1,609,498 alleles (0.03%); highest among the groups gnomAD compares: Middle Eastern, 0.23%; no homozygotes.

Submissions (6):

ClinGen ACADVL Variant Curation Expert Panel, ClinGen
Classification: Likely benign for Very long chain acyl-CoA dehydrogenase deficiency. Last evaluated: 2025-12-11. Review status: reviewed by expert panel. Criteria: ClinGen ACADVL ACMG Specifications ACADVL V2.1. Collection method: curation. Allele origin: germline. Inheritance: Autosomal recessive inheritance.
Comment: The c.1751+18G>A variant in ACADVL is an intronic variant which occurs in intron 18. To our knowledge, this variant has not been reported in the literature in any individuals with very long chain acyl CoA dehydrogenase (VLCAD) deficiency. The highest population minor allele frequency in gnomAD v4.1 is 0.0008 in South Asia population, which is lower than the ClinGen ACADVL Variant Curation Expert Panel threshold (<0.001) for PM2_Supporting, meeting this criterion (PM2_Supporting), however, this is not considered conflicting evidence with BP4 and BP7. The results from SpliceAI suggest that the variant does not impact ACADVL function (Δ score of 0.02 which is below the ClinGen ACADVL Variant Curation Expert Panel threshold of ≤ 0.1). In addition, it occurs at a nucleotide that is not conserved as shown by PhyloP (BP4, BP7). In summary, this variant meets the criteria to be classified as likely benign for autosomal recessive very long chain acyl-CoA dehydrogenase (VLCAD) deficiency based on the ACMG/AMP criteria applied, as specified by the ClinGen ACADVL Variant Curation Expert Panel: BP4, BP7, PM2_supporting (ACADVL VCEP specifications version 2.1; approved September 4, 2025).

Labcorp Genetics (formerly Invitae), Labcorp
Classification: Likely benign for Very long chain acyl-CoA dehydrogenase deficiency. Last evaluated: 2026-02-01. Review status: criteria provided, single submitter. Criteria: Invitae Variant Classification Sherloc (09022015). Collection method: clinical testing. Allele origin: germline. Not counted in ClinVar's aggregate classification.

Blueprint Genetics
Classification: Likely benign. Last evaluated: 2024-10-23. Review status: criteria provided, single submitter. Criteria: ACMG Guidelines, 2015. Collection method: clinical testing. Allele origin: germline. Not counted in ClinVar's aggregate classification.

Wong Mito Lab, Molecular and Human Genetics, Baylor College of Medicine
Classification: Uncertain significance for Very long chain acyl-CoA dehydrogenase deficiency. Last evaluated: 2019-11-01. Review status: criteria provided, single submitter. Criteria: ACMG Guidelines, 2015. Collection method: clinical testing. Allele origin: germline. Not counted in ClinVar's aggregate classification.
Comment: The NM_000018.3:c.1751+18G>A (NP_000009.1:p.?) [GRCH38: NC_000017.11:g.7224732G>A] variant in ACADVL gene is interpretated to be Uncertain Significance based on ACMG guidelines (PMID: 25741868). This variant has been reported. This variant dose not meet any evidence codes reported in the ACMG guidelines.

GeneDx
Classification: Likely benign. Last evaluated: 2018-01-18. Review status: criteria provided, single submitter. Criteria: GeneDx Variant Classification (06012015). Collection method: clinical testing. Allele origin: germline. Affected: yes. Not counted in ClinVar's aggregate classification.
Comment: This variant is considered likely benign or benign based on one or more of the following criteria: it is a conservative change, it occurs at a poorly conserved position in the protein, it is predicted to be benign by multiple in silico algorithms, and/or has population frequency not consistent with disease.

Counsyl
Classification: Likely benign for Very long chain acyl-CoA dehydrogenase deficiency. Last evaluated: 2017-12-15. Review status: no assertion criteria provided. Collection method: clinical testing. Allele origin: unknown. Not counted in ClinVar's aggregate classification.